The following is an entry in ClinVar:

NM_021930.6(RINT1):c.908T>C (p.Ile303Thr)

Gene: RINT1 (RAD50 interactor 1; plus strand). Cytogenetic location: 7q22.3.
Variant type: single nucleotide variant.
Coding change: c.908T>C on transcript NM_021930.6 (MANE Select); coding-DNA position 908, T replaced by C.
Protein change: p.Ile303Thr; replaces isoleucine 303 with threonine.
Molecular consequence: missense variant. On other transcripts: 5 prime UTR variant (2), non-coding transcript variant (1), intron variant (1).
Genome position (GRCh38, 1-based): chr7:105,548,622, T>C. VCF-style: chr7-105548622-T-C. GRCh37 (hg19) VCF-style: chr7-105189069-T-C.
Other names: c.674T>C, p.Ile225Thr (NM_001346599.2); c.-112T>C (NM_001346600.2); c.-17T>C (NM_001346601.2); c.-27-1433T>C (NM_001346603.2); short protein forms I225T, I303T.
Identifiers: ClinVar variation 3227673 (VCV003227673.1), dbSNP rs2485127746, ClinGen allele CA368807959.

ClinVar aggregate classification (germline): Uncertain significance (1 of 4 stars; one submission).

Submission:

Ambry Genetics
Classification: Uncertain significance. Last evaluated: 2023-10-08. Review status: criteria provided, single submitter. Criteria: Ambry Variant Classification Scheme 2023. Collection method: clinical testing. Allele origin: germline.
Comment: The p.I303T variant (also known as c.908T>C), located in coding exon 7 of the RINT1 gene, results from a T to C substitution at nucleotide position 908. The isoleucine at codon 303 is replaced by threonine, an amino acid with similar properties. This amino acid position is conserved. In addition, this alteration is predicted to be tolerated by in silico analysis. Since supporting evidence is limited at this time, the clinical significance of this alteration remains unclear.